The following is an entry in ClinVar:

NM_001048174.2(MUTYH):c.1062C>T (p.Ala354=)

Gene: MUTYH (mutY DNA glycosylase; minus strand). Cytogenetic location: 1p34.1.
Variant type: single nucleotide variant.
Coding change: c.1062C>T on transcript NM_001048174.2 (MANE Select); coding-DNA position 1062, C replaced by T.
Protein change: p.Ala354=; no amino-acid change (alanine 354 retained).
Molecular consequence: synonymous variant. On other transcripts: non-coding transcript variant (2).
Genome position (GRCh38, 1-based): chr1:45,331,701, G>A on the plus strand (C>T on the coding strand, the complement: MUTYH is on the minus strand). VCF-style: chr1-45331701-G-A. GRCh37 (hg19) VCF-style: chr1-45797373-G-A.
Other names: c.1062C>T, p.Ala354= (NM_001048171.2, NM_001048173.2, NM_001293195.2); c.1065C>T, p.Ala355= (NM_001048172.2); c.1146C>T, p.Ala382= (NM_001128425.2); c.1107C>T, p.Ala369= (NM_001293190.2); c.1095C>T, p.Ala365= (NM_001293191.2); c.786C>T, p.Ala262= (NM_001293192.2, NM_001293196.2); c.717C>T, p.Ala239= (NM_001350650.2, NM_001350651.2); c.1137C>T, p.Ala379= (NM_012222.3).
Identifiers: ClinVar variation 185529 (VCV000185529.27), dbSNP rs778193554, ClinGen allele CA012171.

ClinVar aggregate classification (germline): Likely benign. Review status: criteria provided, multiple submitters, no conflicts (2 of 4 stars). 10 submissions from 10 submitters: Likely benign (9). 1 of the submissions does not count toward it. Last evaluated 2026-08-01.

Conditions:
Hereditary cancer-predisposing syndrome. Also called: Hereditary neoplastic syndrome; Tumor predisposition; Neoplastic Syndromes, Hereditary; Hereditary Cancer Syndrome. Identifiers: Orphanet 140162, MedGen C0027672, MeSH D009386, MONDO:0015356.
Familial adenomatous polyposis 2. Also called: Adenomas, multiple colorectal; MUTYH-related attenuated familial adenomatous polyposis; MUTYH Polyposis; COLORECTAL ADENOMATOUS POLYPOSIS, AUTOSOMAL RECESSIVE; ADENOMAS, MULTIPLE COLORECTAL, AUTOSOMAL RECESSIVE; MYH-associated polyposis. Identifiers: Orphanet 220460, Orphanet 247798, MedGen C3272841, MONDO:0012041, OMIM 608456.

Allele frequency attached by ClinVar (database versions not stated): TOPMed 0.00002; ExAC 0.00003; gnomAD 0.00003 and 0.00004; gnomAD exomes 0.00003 and 0.00006.

Submissions (10):

CeGaT Center for Human Genetics Tuebingen
Classification: Likely benign. Last evaluated: 2026-08-01. Review status: criteria provided, single submitter. Criteria: CeGaT Center For Human Genetics Tuebingen Variant Classification Criteria Version 2. Collection method: clinical testing. Allele origin: germline. Affected: yes. Observed: 1 variant allele.
Comment: MUTYH: BP4, BP7

Labcorp Genetics (formerly Invitae), Labcorp
Classification: Likely benign for Familial adenomatous polyposis 2. Last evaluated: 2025-12-12. Review status: criteria provided, single submitter. Criteria: Invitae Variant Classification Sherloc (09022015). Collection method: clinical testing. Allele origin: germline.

Women's Health and Genetics/Laboratory Corporation of America, LabCorp
Classification: Likely benign. Last evaluated: 2025-04-10. Review status: criteria provided, single submitter. Criteria: LabCorp Variant Classification Summary - May 2015. Collection method: clinical testing. Allele origin: germline.

ARUP Laboratories, Molecular Genetics and Genomics, ARUP Laboratories
Classification: Likely benign. Last evaluated: 2024-04-25. Review status: criteria provided, single submitter. Criteria: ARUP Molecular Germline Variant Investigation Process 2024. Collection method: clinical testing. Allele origin: germline.

All of Us Research Program, National Institutes of Health
Classification: Likely benign for Familial adenomatous polyposis 2. Last evaluated: 2023-12-18. Review status: criteria provided, single submitter. Criteria: ACMG Guidelines, 2015. Collection method: clinical testing. Allele origin: germline. Inheritance: Autosomal recessive inheritance. Observed: 6 variant alleles, 6 heterozygotes.
Comment: This study involves interpretation of variants in research participants for the purpose of population health screening. Participant phenotype was not available at the time of variant classification. Additional details can be found in publication PMID: 35346344, PMCID: PMC8962531

Blueprint Genetics
Classification: Likely benign. Last evaluated: 2022-11-15. Review status: criteria provided, single submitter. Criteria: ACMG Guidelines, 2015. Collection method: clinical testing. Allele origin: germline.

GeneDx
Classification: Likely benign. Last evaluated: 2019-09-23. Review status: criteria provided, single submitter. Criteria: GeneDx Variant Classification Process June 2021. Collection method: clinical testing. Allele origin: germline. Affected: yes.

Color Diagnostics, LLC DBA Color Health
Classification: Likely benign for Hereditary cancer-predisposing syndrome. Last evaluated: 2017-03-06. Review status: criteria provided, single submitter. Criteria: ACMG Guidelines, 2015. Collection method: clinical testing. Allele origin: germline.

Ambry Genetics
Classification: Likely benign for Hereditary cancer-predisposing syndrome. Last evaluated: 2014-07-15. Review status: criteria provided, single submitter. Criteria: Ambry Variant Classification Scheme 2023. Collection method: clinical testing. Allele origin: germline.

Counsyl
Classification: Likely benign for Familial adenomatous polyposis 2. Last evaluated: 2016-09-12. Review status: no assertion criteria provided. Collection method: clinical testing. Allele origin: unknown. Not counted in ClinVar's aggregate classification.